The following is an entry in ClinVar:

ClinVar aggregate classification (germline): Uncertain significance. Review status: criteria provided, multiple submitters, no conflicts (2 of 4 stars). 4 submissions from 4 submitters: Uncertain significance (3). 1 of the submissions does not count toward it. Last evaluated 2026-07-01.

Conditions:
TUBB1-related disorder. Also called: TUBB1-related condition.

Allele frequency attached by ClinVar (database versions not stated): ExAC 0.00002; gnomAD 0.00003; TOPMed 0.00003; gnomAD exomes 0.00007; ESP Exome Variant Server 0.00008.
gnomAD v4.1: 116 of 1,614,056 alleles (0.0072%); highest among the groups gnomAD compares: South Asian, 0.011%; no homozygotes.

Submissions (4):

CeGaT Center for Human Genetics Tuebingen
Classification: Uncertain significance. Last evaluated: 2026-07-01. Review status: criteria provided, single submitter. Criteria: CeGaT Center For Human Genetics Tuebingen Variant Classification Criteria Version 2. Collection method: clinical testing. Allele origin: germline. Affected: yes. Observed: 1 variant allele.

Labcorp Genetics (formerly Invitae), Labcorp
Classification: Uncertain significance. Last evaluated: 2025-12-17. Review status: criteria provided, single submitter. Criteria: Invitae Variant Classification Sherloc (09022015). Collection method: clinical testing. Allele origin: germline.
Comment: This sequence change replaces arginine, which is basic and polar, with tryptophan, which is neutral and slightly polar, at codon 162 of the TUBB1 protein (p.Arg162Trp). This variant is present in population databases (rs143819330, gnomAD 0.01%). This variant has not been reported in the literature in individuals affected with TUBB1-related conditions. ClinVar contains an entry for this variant (Variation ID: 2059214). Invitae Evidence Modeling of protein sequence and biophysical properties (such as structural, functional, and spatial information, amino acid conservation, physicochemical variation, residue mobility, and thermodynamic stability) indicates that this missense variant is expected to disrupt TUBB1 protein function with a positive predictive value of 80%. In summary, the available evidence is currently insufficient to determine the role of this variant in disease. Therefore, it has been classified as a Variant of Uncertain Significance.

Women's Health and Genetics/Laboratory Corporation of America, LabCorp
Classification: Uncertain significance. Last evaluated: 2025-02-24. Review status: criteria provided, single submitter. Criteria: LabCorp Variant Classification Summary - May 2015. Collection method: clinical testing. Allele origin: germline.
Comment: Variant summary: TUBB1 c.484C>T (p.Arg162Trp) results in a non-conservative amino acid change located in the Tubulin/FtsZ, GTPase domain (IPR036525) of the encoded protein sequence. Five of five in-silico tools predict a damaging effect of the variant on protein function. The variant allele was found at a frequency of 4.4e-05 in 251456 control chromosomes. This frequency is not significantly higher than estimated for a pathogenic variant in TUBB1 causing Autosomal Dominant Macrothrombocytopenia TUBB1-Related, allowing no conclusion about variant significance. c.484C>T has been reported in the literature in at-least one individual in association with platelet count, platelet distribution width, and mean platelet thrombocyte volume (example: Backman_2021). These report(s) do not provide unequivocal conclusions about association of the variant with Autosomal Dominant Macrothrombocytopenia TUBB1-Related. To our knowledge, no experimental evidence demonstrating an impact on protein function has been reported. The following publication has been ascertained in the context of this evaluation (PMID: 34662886). ClinVar contains an entry for this variant (Variation ID: 2059214). Based on the evidence outlined above, the variant was classified as uncertain significance.

PreventionGenetics, part of Exact Sciences
Classification: Uncertain significance for TUBB1-related condition. Last evaluated: 2024-08-23. Review status: no assertion criteria provided. Collection method: clinical testing. Allele origin: germline. Not counted in ClinVar's aggregate classification.
Comment: The TUBB1 c.484C>T variant is predicted to result in the amino acid substitution p.Arg162Trp. This variant has been reported in a genome-wide association study using exome sequencing with significant association with platelet count, platelet distribution width, and mean platelet thrombocyte volume (Backman et al. 2021. PubMed ID: 34662886. Supplementary Data 2). This variant is reported in 0.012% of alleles in individuals of African descent in gnomAD. At this time, the clinical significance of this variant is uncertain due to the absence of conclusive functional and genetic evidence.

Literature cited by the submitters: PubMed 34662886 (cited by Women's Health and Genetics/Laboratory Corporation of America, LabCorp).

NM_030773.4(TUBB1):c.484C>T (p.Arg162Trp)

Gene: TUBB1 (tubulin beta 1 class VI; plus strand). Cytogenetic location: 20q13.32.
Variant type: single nucleotide variant.
Coding change: c.484C>T on transcript NM_030773.4 (MANE Select); coding-DNA position 484, C replaced by T.
Protein change: p.Arg162Trp; replaces arginine 162 with tryptophan.
Molecular consequence: missense variant.
Genome position (GRCh38, 1-based): chr20:59,023,911, C>T. VCF-style: chr20-59023911-C-T. GRCh37 (hg19) VCF-style: chr20-57598966-C-T.
Other names: short protein forms R162W.
Identifiers: ClinVar variation 2059214 (VCV002059214.7), dbSNP rs143819330, ClinGen allele CA9928514.
Genomic context (GRCh38, chr20:59,023,911, plus strand): 5'-GGCACAGGCTCCGGGATGGGCACTCTGCTCATGAACAAGATTAGAGAGGAGTACCCGGAC[C>T]GGATCATGAATTCCTTCAGCGTCATGCCTTCTCCCAAGGTGTCGGACACTGTGGTGGAGC-3'
Protein context (NP_110400.1, residues 152-172): MNKIREEYPD[Arg162Trp]IMNSFSVMPS